The following is an entry in ClinVar:

NM_006329.4(FBLN5):c.697G>T (p.Asp233Tyr)

Gene: FBLN5 (fibulin 5; minus strand). Cytogenetic location: 14q32.12.
Variant type: single nucleotide variant.
Coding change: c.697G>T on transcript NM_006329.4 (MANE Select); coding-DNA position 697, G replaced by T.
Protein change: p.Asp233Tyr; replaces aspartic acid 233 with tyrosine.
Molecular consequence: missense variant.
Genome position (GRCh38, 1-based): chr14:91,887,235, C>A on the plus strand (G>T on the coding strand, the complement: FBLN5 is on the minus strand). VCF-style: chr14-91887235-C-A. GRCh37 (hg19) VCF-style: chr14-92353579-C-A.
Other names: c.820G>T, p.Asp274Tyr (NM_001384158.1); c.748G>T, p.Asp250Tyr (NM_001384159.1); c.697G>T, p.Asp233Tyr (NM_001384160.1); c.529G>T, p.Asp177Tyr (NM_001384161.1, NM_001384162.1); short protein forms D177Y, D274Y, D233Y, D250Y.
Identifiers: ClinVar variation 4741698 (VCV004741698.1).

ClinVar aggregate classification (germline): Uncertain significance (1 of 4 stars; one submission).

Submission:

Labcorp Genetics (formerly Invitae), Labcorp
Classification: Uncertain significance. Last evaluated: 2025-02-11. Review status: criteria provided, single submitter. Criteria: Invitae Variant Classification Sherloc (09022015). Collection method: clinical testing. Allele origin: germline.
Comment: This sequence change replaces aspartic acid, which is acidic and polar, with tyrosine, which is neutral and polar, at codon 233 of the FBLN5 protein (p.Asp233Tyr). This variant is not present in population databases (gnomAD no frequency). This variant has not been reported in the literature in individuals affected with FBLN5-related conditions. Invitae Evidence Modeling of protein sequence and biophysical properties (such as structural, functional, and spatial information, amino acid conservation, physicochemical variation, residue mobility, and thermodynamic stability) indicates that this missense variant is not expected to disrupt FBLN5 protein function with a negative predictive value of 80%. In summary, the available evidence is currently insufficient to determine the role of this variant in disease. Therefore, it has been classified as a Variant of Uncertain Significance.